The following is an entry in ClinVar:

ClinVar aggregate classification (germline): Uncertain significance. Review status: criteria provided, multiple submitters, no conflicts (2 of 4 stars). 4 submissions from 4 submitters: Uncertain significance (4). Last evaluated 2025-06-12.

Conditions:
Inborn genetic diseases. Identifiers: MedGen C0950123, MeSH D030342.
Van Maldergem syndrome 2 (VMLDS2). Identifiers: Orphanet 314679, MedGen C3809875, MONDO:0014242, OMIM 615546.
Hennekam lymphangiectasia-lymphedema syndrome 2 (HKLLS2). Identifiers: Orphanet 2136, MedGen C4014939, MONDO:0014454, OMIM 616006.

Allele frequency attached by ClinVar (database versions not stated): ExAC 0.00002; gnomAD exomes 0.00003.
gnomAD v4.1: 38 of 1,614,120 alleles (0.0024%); highest among the groups gnomAD compares: East Asian, 0.042%; no homozygotes.

Submissions (4):

Labcorp Genetics (formerly Invitae), Labcorp
Classification: Uncertain significance. Last evaluated: 2025-06-12. Review status: criteria provided, single submitter. Criteria: Invitae Variant Classification Sherloc (09022015). Collection method: clinical testing. Allele origin: germline.
Comment: This sequence change replaces threonine, which is neutral and polar, with isoleucine, which is neutral and non-polar, at codon 1574 of the FAT4 protein (p.Thr1574Ile). This variant is present in population databases (rs765526876, gnomAD 0.03%). This variant has not been reported in the literature in individuals affected with FAT4-related conditions. ClinVar contains an entry for this variant (Variation ID: 2441367). Invitae Evidence Modeling of protein sequence and biophysical properties (such as structural, functional, and spatial information, amino acid conservation, physicochemical variation, residue mobility, and thermodynamic stability) indicates that this missense variant is not expected to disrupt FAT4 protein function with a negative predictive value of 95%. In summary, the available evidence is currently insufficient to determine the role of this variant in disease. Therefore, it has been classified as a Variant of Uncertain Significance.

Fulgent Genetics
Classification: Uncertain significance for Van Maldergem syndrome 2; Hennekam lymphangiectasia-lymphedema syndrome 2. Last evaluated: 2024-03-01. Review status: criteria provided, single submitter. Criteria: ACMG Guidelines, 2015. Collection method: clinical testing. Allele origin: germline.

Ambry Genetics
Classification: Uncertain significance for Inborn genetic diseases. Last evaluated: 2023-10-25. Review status: criteria provided, single submitter. Criteria: Ambry Variant Classification Scheme 2023. Collection method: clinical testing. Allele origin: germline.

Revvity Omics, Revvity
Classification: Uncertain significance. Last evaluated: 2021-08-16. Review status: criteria provided, single submitter. Criteria: ACMG Guidelines, 2015. Collection method: clinical testing. Allele origin: germline.

NM_001291303.3(FAT4):c.4721C>T (p.Thr1574Ile)

Gene: FAT4 (FAT atypical cadherin 4; plus strand). Cytogenetic location: 4q28.1.
Variant type: single nucleotide variant.
Coding change: c.4721C>T on transcript NM_001291303.3 (MANE Select); coding-DNA position 4721, C replaced by T.
Protein change: p.Thr1574Ile; replaces threonine 1574 with isoleucine.
Molecular consequence: missense variant.
Genome position (GRCh38, 1-based): chr4:125,321,132, C>T. VCF-style: chr4-125321132-C-T. GRCh37 (hg19) VCF-style: chr4-126242287-C-T.
Other names: c.4721C>T (NM_024582.5); c.4721C>T, p.Thr1574Ile (NM_001291285.3, NM_024582.6); short protein forms T1574I.
Identifiers: ClinVar variation 2441367 (VCV002441367.6), dbSNP rs765526876, ClinGen allele CA3072507.